The following is an entry in ClinVar:

ClinVar aggregate classification (germline): Uncertain significance. Review status: criteria provided, multiple submitters, no conflicts (2 of 4 stars). 3 submissions from 3 submitters: Uncertain significance (3). Last evaluated 2025-10-08.

Conditions:
Malignant hyperthermia, susceptibility to, 1 (MHS1). Also called: RYR1-Related Malignant Hyperthermia Susceptibility; Anesthesia related hyperthermia; Malignant hyperpyrexia; Fulminating hyperpyrexia; Pharmacogenic myopathy; Malignant hyperthermia suceptibility 1. Identifiers: Orphanet 423, MedGen C2930980, MONDO:0007783, OMIM 145600.
RYR1-related disorder. Also called: RYR1-related condition; RYR1-related disorders. Identifiers: MedGen CN239331.

Allele frequency attached by ClinVar (database versions not stated): gnomAD exomes below 0.00001 and 0.00001; ExAC 0.00001; gnomAD 0.00001 and 0.00002; TOPMed 0.00004; 1000 Genomes Project 30x 0.00016; 1000 Genomes Project 0.00020.
gnomAD v4.1: 14 of 1,613,480 alleles (0.00087%); highest among the groups gnomAD compares: Admixed American, 0.0067%; no homozygotes.

Submissions (3):

Labcorp Genetics (formerly Invitae), Labcorp
Classification: Uncertain significance for RYR1-related disorder. Last evaluated: 2025-10-08. Review status: criteria provided, single submitter. Criteria: Invitae Variant Classification Sherloc (09022015). Collection method: clinical testing. Allele origin: germline.
Comment: This sequence change replaces alanine, which is neutral and non-polar, with valine, which is neutral and non-polar, at codon 2141 of the RYR1 protein (p.Ala2141Val). This variant is present in population databases (rs201293931, gnomAD 0.003%). This missense change has been observed in individual(s) with RYR1-related conditions (PMID: 32236737). ClinVar contains an entry for this variant (Variation ID: 544406). Invitae Evidence Modeling of protein sequence and biophysical properties (such as structural, functional, and spatial information, amino acid conservation, physicochemical variation, residue mobility, and thermodynamic stability) indicates that this missense variant is not expected to disrupt RYR1 protein function with a negative predictive value of 80%. In summary, the available evidence is currently insufficient to determine the role of this variant in disease. Therefore, it has been classified as a Variant of Uncertain Significance.

Color Diagnostics, LLC DBA Color Health
Classification: Uncertain significance for Malignant hyperthermia, susceptibility to, 1. Last evaluated: 2023-07-29. Review status: criteria provided, single submitter. Criteria: ACMG Guidelines, 2015. Collection method: clinical testing. Allele origin: germline.
Comment: This missense variant replaces alanine with valine at codon 2141 of the RYR1 protein. Computational prediction is inconclusive regarding the impact of this variant on protein structure and function (internally defined REVEL score threshold 0.5 < inconclusive < 0.7, PMID: 27666373). To our knowledge, functional studies have not been reported for this variant. This variant has not been reported in individuals affected with RYR1-related disorders in the literature. This variant has been identified in 1/250510 chromosomes in the general population by the Genome Aggregation Database (gnomAD). The available evidence is insufficient to determine the role of this variant in disease conclusively. Therefore, this variant is classified as a Variant of Uncertain Significance.

Revvity Omics, Revvity
Classification: Uncertain significance. Last evaluated: 2019-10-29. Review status: criteria provided, single submitter. Criteria: ACMG Guidelines, 2015. Collection method: clinical testing. Allele origin: germline.

Literature cited by the submitters: PubMed 32236737 (cited by Labcorp Genetics (formerly Invitae), Labcorp).

NM_000540.3(RYR1):c.6422C>T (p.Ala2141Val)

Gene: RYR1 (ryanodine receptor 1; plus strand). Cytogenetic location: 19q13.2.
Variant type: single nucleotide variant.
Coding change: c.6422C>T on transcript NM_000540.3 (MANE Select); coding-DNA position 6422, C replaced by T.
Protein change: p.Ala2141Val; replaces alanine 2141 with valine.
Molecular consequence: missense variant.
Genome position (GRCh38, 1-based): chr19:38,494,499, C>T. VCF-style: chr19-38494499-C-T. GRCh37 (hg19) VCF-style: chr19-38985139-C-T.
Other names: c.6422C>T, p.Ala2141Val (NM_001042723.2); short protein forms A2141V.
Identifiers: ClinVar variation 544406 (VCV000544406.11), dbSNP rs201293931, ClinGen allele CA068242.
Genomic context (GRCh38, chr19:38,494,499, plus strand): 5'-TCAGCCTCCTGCACCGGCAGTACGACGGGCTGGGTGAGCTGCTGCGTGCCCTGCCGCGGG[C>T]GTACACCATCTCACCGTCCTCCGTGGAAGACACCATGAGCCTGCTCGAGTGCCTCGGCCA-3'
Protein context (NP_000531.2, residues 2131-2151): LGELLRALPR[Ala2141Val]YTISPSSVED